The following is an entry in ClinVar:

ClinVar aggregate classification (germline): Uncertain significance. Review status: criteria provided, multiple submitters, no conflicts (2 of 4 stars). 3 submissions from 3 submitters: Uncertain significance (3). Last evaluated 2024-09-29.

Conditions:
Familial thoracic aortic aneurysm and aortic dissection (TAAD). Also called: Thoracic aortic aneurysms and dissections. Identifiers: Orphanet 91387, MedGen C4707243, MONDO:0019625.

Submissions (3):

Women's Health and Genetics/Laboratory Corporation of America, LabCorp
Classification: Uncertain significance. Last evaluated: 2024-09-29. Review status: criteria provided, single submitter. Criteria: LabCorp Variant Classification Summary - May 2015. Collection method: clinical testing. Allele origin: germline.

GeneDx
Classification: Uncertain significance. Last evaluated: 2024-08-22. Review status: criteria provided, single submitter. Criteria: GeneDx Variant Classification Process June 2021. Collection method: clinical testing. Allele origin: germline. Affected: yes.
Comment: In silico analysis indicates that this missense variant does not alter protein structure/function; Has not been previously published as pathogenic or benign to our knowledge

Ambry Genetics
Classification: Uncertain significance for Familial thoracic aortic aneurysm and aortic dissection. Last evaluated: 2021-11-02. Review status: criteria provided, single submitter. Criteria: Ambry Variant Classification Scheme 2023. Collection method: clinical testing. Allele origin: germline.
Comment: The p.G26A variant (also known as c.77G>C), located in coding exon 1 of the CBS gene, results from a G to C substitution at nucleotide position 77. The glycine at codon 26 is replaced by alanine, an amino acid with similar properties. This amino acid position is conserved. In addition, this alteration is predicted to be tolerated by in silico analysis. Since supporting evidence is limited at this time, the clinical significance of this alteration remains unclear.

NM_000071.3(CBS):c.77G>C (p.Gly26Ala)

Gene: CBS (cystathionine beta-synthase; minus strand). Cytogenetic location: 21q22.3.
Variant type: single nucleotide variant.
Coding change: c.77G>C on transcript NM_000071.3 (MANE Select); coding-DNA position 77, G replaced by C.
Protein change: p.Gly26Ala; replaces glycine 26 with alanine.
Molecular consequence: missense variant.
Genome position (GRCh38, 1-based): chr21:43,072,117, C>G on the plus strand (G>C on the coding strand, the complement: CBS is on the minus strand). VCF-style: chr21-43072117-C-G. GRCh37 (hg19) VCF-style: chr21-44492227-C-G.
Other names: c.77G>C, p.Gly26Ala (NM_001178008.3, NM_001178009.3, NM_001320298.2); short protein forms G26A.
Identifiers: ClinVar variation 1760691 (VCV001760691.4), dbSNP rs746782366, ClinGen allele CA321104037.
Genomic context (GRCh38, chr21:43,072,117, plus strand): 5'-GGCCGGATCCACAGGGGCTCCTTGGCTTCCTTATCCTCTGGGGACCCCTTCTCCAGGCTC[C>G]CCTTCGCCGAGTGTGGCCCTGAGCGGTGGGGGCAGCCTGTGGGCCCCACTTCTGCCTGGG-3'
Protein context (NP_000062.1, residues 16-36): PHRSGPHSAK[Gly26Ala]SLEKGSPEDK